The following is an entry in ClinVar:

ClinVar aggregate classification (germline): not provided (0 of 4 stars; one submission).

Conditions:
Huntington disease (HD). Also called: HUNTINGTON CHOREA; Huntington's chorea; Huntington's disease. Identifiers: Orphanet 248111, Orphanet 399, MedGen C0020179, MONDO:0007739, OMIM 143100.

Submission:

GeneReviews
No classification provided. Condition: Huntington disease. Review status: no classification provided. Collection method: literature only. Allele origin: germline.
Comment: Repeat Range: Reduced penetrance

NM_002111.8(HTT):c.52CAG[36_39]

Genes: HTT (huntingtin; plus strand), LOC109461479 (huntingtin repeat instability region; plus strand), LOC129929027 (ATAC-STARR-seq lymphoblastoid silent region 15199; plus strand). Cytogenetic location: 4p16.3.
Variant type: Microsatellite.
Coding change: c.52CAG[36_39] on transcript NM_002111.8.
Other names: NM_002111.6:c.52_54CAG(36_39); c.52CAG[(36_39)] (NM_002111.8); c.52CAG[36_39] (NM_002111.6).
Identifiers: ClinVar variation 31916 (VCV000031916.4).